The following is an entry in ClinVar:

NM_213655.5(WNK1):c.2650G>A (p.Val884Ile)

Gene: WNK1 (WNK lysine deficient protein kinase 1; plus strand). Cytogenetic location: 12p13.33.
Variant type: single nucleotide variant.
Coding change: c.2650G>A on transcript NM_213655.5 (MANE Plus Clinical); coding-DNA position 2650, G replaced by A.
Protein change: p.Val884Ile; replaces valine 884 with isoleucine.
Molecular consequence: missense variant. On other transcripts: intron variant (2).
Genome position (GRCh38, 1-based): chr12:868,121, G>A. VCF-style: chr12-868121-G-A. GRCh37 (hg19) VCF-style: chr12-977287-G-A.
Other names: c.2395G>A, p.Val799Ile (NM_001184985.2); c.2140-3144G>A (NM_018979.4, NM_014823.3); short protein forms V884I, V799I.
Identifiers: ClinVar variation 847450 (VCV000847450.12), dbSNP rs764190549, ClinGen allele CA6382218.

ClinVar aggregate classification (germline): Uncertain significance. Review status: criteria provided, multiple submitters, no conflicts (2 of 4 stars). 4 submissions from 4 submitters: Uncertain significance (4). Last evaluated 2024-02-23.

Conditions:
Pseudohypoaldosteronism type 2C (PHA2C). Also called: Pseudohypoaldosteronism Type IIC. Identifiers: Orphanet 757, Orphanet 88940, MedGen C1840391, MONDO:0013778, OMIM 614492.
Neuropathy, hereditary sensory and autonomic, type 2A (HSAN2A). Also called: MORVAN DISEASE; NEUROPATHY, CONGENITAL SENSORY; NEUROPATHY, HEREDITARY SENSORY RADICULAR, AUTOSOMAL RECESSIVE; NEUROPATHY, HEREDITARY SENSORY, TYPE IIA; NEUROPATHY, PROGRESSIVE SENSORY, OF CHILDREN; WNK1-Related HSAN2 (HSAN2A). Identifiers: Orphanet 970, MedGen C2752089, MONDO:0024309, OMIM 201300.
Inborn genetic diseases. Identifiers: MedGen C0950123, MeSH D030342.

Allele frequency attached by ClinVar (database versions not stated): gnomAD 0.00003 and 0.00004; gnomAD exomes 0.00003 and 0.00006; TOPMed 0.00005; ExAC 0.00007.

Submissions (4):

Labcorp Genetics (formerly Invitae), Labcorp
Classification: Uncertain significance for Neuropathy, hereditary sensory and autonomic, type 2A; Pseudohypoaldosteronism type 2C. Last evaluated: 2024-02-23. Review status: criteria provided, single submitter. Criteria: Invitae Variant Classification Sherloc (09022015). Collection method: clinical testing. Allele origin: germline.
Comment: This sequence change replaces valine, which is neutral and non-polar, with isoleucine, which is neutral and non-polar, at codon 884 of the WNK1 protein (p.Val884Ile). This variant is present in population databases (rs764190549, gnomAD 0.03%). This variant has not been reported in the literature in individuals affected with WNK1-related conditions. ClinVar contains an entry for this variant (Variation ID: 847450). Advanced modeling of protein sequence and biophysical properties (such as structural, functional, and spatial information, amino acid conservation, physicochemical variation, residue mobility, and thermodynamic stability) performed at Invitae indicates that this missense variant is not expected to disrupt WNK1 protein function with a negative predictive value of 95%. In summary, the available evidence is currently insufficient to determine the role of this variant in disease. Therefore, it has been classified as a Variant of Uncertain Significance.

Department of Pathology and Laboratory Medicine, Sinai Health System
Classification: Uncertain significance for Neuropathy, hereditary sensory and autonomic, type 2A; Pseudohypoaldosteronism type 2C. Last evaluated: 2023-03-01. Review status: criteria provided, single submitter. Criteria: ACMG Guidelines, 2015. Collection method: research. Allele origin: germline.

Ambry Genetics
Classification: Uncertain significance for Inborn genetic diseases. Last evaluated: 2021-08-17. Review status: criteria provided, single submitter. Criteria: Ambry Variant Classification Scheme 2023. Collection method: clinical testing. Allele origin: germline.
Comment: The p.V884I variant (also known as c.2650G>A), located in coding exon 10 of the WNK1 gene, results from a G to A substitution at nucleotide position 2650. The valine at codon 884 is replaced by isoleucine, an amino acid with highly similar properties. This amino acid position is not well conserved in available vertebrate species, and isoleucine is the reference amino acid in other vertebrate species. In addition, this alteration is predicted to be tolerated by in silico analysis. Since supporting evidence is limited at this time, the clinical significance of this alteration remains unclear.

GeneDx
Classification: Uncertain significance. Last evaluated: 2019-03-28. Review status: criteria provided, single submitter. Criteria: GeneDx Variant Classification Process June 2021. Collection method: clinical testing. Allele origin: germline. Affected: yes.
Comment: In silico analysis, which includes protein predictors and evolutionary conservation, supports that this variant does not alter protein structure/function; Has not been previously published as pathogenic or benign to our knowledge